The following is an entry in ClinVar:

ClinVar aggregate classification (germline): Uncertain significance. Review status: criteria provided, multiple submitters, no conflicts (2 of 4 stars). 2 submissions from 2 submitters: Uncertain significance (2). Last evaluated 2025-12-08.

Conditions:
Hereditary cancer-predisposing syndrome. Also called: Hereditary Cancer Syndrome; Tumor predisposition; Hereditary neoplastic syndrome; Neoplastic Syndromes, Hereditary. Identifiers: Orphanet 140162, MedGen C0027672, MeSH D009386, MONDO:0015356.
Bloom syndrome (BLM). Also called: Bloom-Torre-Machacek syndrome. Identifiers: Orphanet 125, MedGen C0005859, MONDO:0008876, OMIM 210900.

Allele frequency attached by ClinVar (database versions not stated): gnomAD exomes below 0.00001.
gnomAD v4.1: 1 of 1,614,078 alleles (0.000062%); highest among the groups gnomAD compares: South Asian, 0.0011%; no homozygotes.

Submissions (2):

Labcorp Genetics (formerly Invitae), Labcorp
Classification: Uncertain significance for Bloom syndrome. Last evaluated: 2025-12-08. Review status: criteria provided, single submitter. Criteria: Invitae Variant Classification Sherloc (09022015). Collection method: clinical testing. Allele origin: germline.
Comment: This sequence change replaces histidine, which is basic and polar, with tyrosine, which is neutral and polar, at codon 457 of the BLM protein (p.His457Tyr). This variant is not present in population databases (gnomAD no frequency). This variant has not been reported in the literature in individuals affected with BLM-related conditions. ClinVar contains an entry for this variant (Variation ID: 1044626). Invitae Evidence Modeling of protein sequence and biophysical properties (such as structural, functional, and spatial information, amino acid conservation, physicochemical variation, residue mobility, and thermodynamic stability) indicates that this missense variant is not expected to disrupt BLM protein function with a negative predictive value of 80%. In summary, the available evidence is currently insufficient to determine the role of this variant in disease. Therefore, it has been classified as a Variant of Uncertain Significance.

Ambry Genetics
Classification: Uncertain significance for Hereditary cancer-predisposing syndrome. Last evaluated: 2024-02-09. Review status: criteria provided, single submitter. Criteria: Ambry Variant Classification Scheme 2023. Collection method: clinical testing. Allele origin: germline.
Comment: The p.H457Y variant (also known as c.1369C>T), located in coding exon 6 of the BLM gene, results from a C to T substitution at nucleotide position 1369. The histidine at codon 457 is replaced by tyrosine, an amino acid with similar properties. This amino acid position is conserved. In addition, this alteration is predicted to be tolerated by in silico analysis. Since supporting evidence is limited at this time, the clinical significance of this alteration remains unclear.

NM_000057.4(BLM):c.1369C>T (p.His457Tyr)

Gene: BLM (BLM RecQ like helicase; plus strand). Cytogenetic location: 15q26.1.
Variant type: single nucleotide variant.
Coding change: c.1369C>T on transcript NM_000057.4 (MANE Select); coding-DNA position 1369, C replaced by T.
Protein change: p.His457Tyr; replaces histidine 457 with tyrosine.
Molecular consequence: missense variant.
Genome position (GRCh38, 1-based): chr15:90,760,742, C>T. VCF-style: chr15-90760742-C-T. GRCh37 (hg19) VCF-style: chr15-91303972-C-T.
Other names: c.1369C>T, p.His457Tyr (NM_001287246.2, NM_001287247.2); c.244C>T, p.His82Tyr (NM_001287248.2); short protein forms H82Y, H457Y.
Identifiers: ClinVar variation 1044626 (VCV001044626.11), dbSNP rs1895954255, ClinGen allele CA393842915.